The following is an entry in ClinVar:

NM_001267550.2(TTN):c.69725G>A (p.Gly23242Glu)

Genes: TTN (titin; minus strand), TTN-AS1 (TTN antisense RNA 1; plus strand), LOC126806422 (BRD4-independent group 4 enhancer GRCh37_chr2:179440205-179441404; plus strand). Cytogenetic location: 2q31.2.
Variant type: single nucleotide variant.
Coding change: c.69725G>A on transcript NM_001267550.2 (MANE Select); coding-DNA position 69725, G replaced by A.
Protein change: p.Gly23242Glu; replaces glycine 23242 with glutamic acid.
Molecular consequence: missense variant.
Genome position (GRCh38, 1-based): chr2:178,576,407, C>T on the plus strand (G>A on the coding strand, the complement: TTN is on the minus strand). VCF-style: chr2-178576407-C-T. GRCh37 (hg19) VCF-style: chr2-179441134-C-T.
Other names: c.64802G>A, p.Gly21601Glu (NM_001256850.1); c.42530G>A, p.Gly14177Glu (NM_003319.4); c.62021G>A, p.Gly20674Glu (NM_133378.4); c.42905G>A, p.Gly14302Glu (NM_133432.3); c.43106G>A, p.Gly14369Glu (NM_133437.4); short protein forms G14177E, G14302E, G14369E, G20674E, G21601E, G23242E.
Identifiers: ClinVar variation 1675818 (VCV001675818.33), dbSNP rs1292885710, ClinGen allele CA349666750.

ClinVar aggregate classification (germline): Uncertain significance (1 of 4 stars; one submission).

Allele frequency attached by ClinVar (database versions not stated): gnomAD 0.00001.
gnomAD v4.1: 2 of 1,573,154 alleles (0.00013%); highest among the groups gnomAD compares: Non-Finnish European, 0.000086%; no homozygotes.

Submission:

CeGaT Center for Human Genetics Tuebingen
Classification: Uncertain significance. Last evaluated: 2022-03-01. Review status: criteria provided, single submitter. Criteria: CeGaT Center For Human Genetics Tuebingen Variant Classification Criteria Version 2. Collection method: clinical testing. Allele origin: germline. Affected: yes. Observed: 1 variant allele.
Comment: TTN: PM2